The following is an entry in ClinVar:

NM_182914.3(SYNE2):c.8582T>C (p.Val2861Ala)

Gene: SYNE2 (spectrin repeat containing nuclear envelope protein 2; plus strand). Cytogenetic location: 14q23.2.
Variant type: single nucleotide variant.
Coding change: c.8582T>C on transcript NM_182914.3 (MANE Select); coding-DNA position 8582, T replaced by C.
Protein change: p.Val2861Ala; replaces valine 2861 with alanine.
Molecular consequence: missense variant.
Genome position (GRCh38, 1-based): chr14:64,052,495, T>C. VCF-style: chr14-64052495-T-C. GRCh37 (hg19) VCF-style: chr14-64519213-T-C.
Other names: c.8582T>C, p.Val2861Ala (NM_015180.6); short protein forms V2861A.
Identifiers: ClinVar variation 3717539 (VCV003717539.2).
Genomic context (GRCh38, chr14:64,052,495, plus strand): 5'-CTATAATAAGGAAGTTTCAACTTATGGTTCAAGAAAGTGAAACACTGATAATTCCCAGGG[T>C]GGAGACAGCTGCCACGGAAGCTGAACTAAAACATCACCATGTTACTTTGGAGGCATCTCA-3'
Protein context (NP_878918.2, residues 2851-2871): QESETLIIPR[Val2861Ala]ETAATEAELK

ClinVar aggregate classification (germline): Uncertain significance (1 of 4 stars; one submission).

Conditions:
Emery-Dreifuss muscular dystrophy 5, autosomal dominant (EDMD5). Also called: EMERY-DREIFUSS MUSCULAR DYSTROPHY 5. Identifiers: Orphanet 261, MedGen C2751805, MONDO:0013072, OMIM 612999.

gnomAD v4.1: 1 of 1,614,050 alleles (0.000062%); highest among the groups gnomAD compares: Non-Finnish European, 0.000085%; no homozygotes.

Submission:

Labcorp Genetics (formerly Invitae), Labcorp
Classification: Uncertain significance for Emery-Dreifuss muscular dystrophy 5, autosomal dominant. Last evaluated: 2024-09-23. Review status: criteria provided, single submitter. Criteria: Invitae Variant Classification Sherloc (09022015). Collection method: clinical testing. Allele origin: germline.
Comment: This sequence change replaces valine, which is neutral and non-polar, with alanine, which is neutral and non-polar, at codon 2861 of the SYNE2 protein (p.Val2861Ala). This variant is present in population databases (rs755550791, gnomAD 0.0009%). This variant has not been reported in the literature in individuals affected with SYNE2-related conditions. An algorithm developed to predict the effect of missense changes on protein structure and function outputs the following: PolyPhen-2: "Benign". The alanine amino acid residue is found in multiple mammalian species, which suggests that this missense change does not adversely affect protein function. In summary, the available evidence is currently insufficient to determine the role of this variant in disease. Therefore, it has been classified as a Variant of Uncertain Significance.